The following is an entry in ClinVar:

ClinVar aggregate classification (germline): Uncertain significance (1 of 4 stars; one submission).

Submission:

Labcorp Genetics (formerly Invitae), Labcorp
Classification: Uncertain significance. Last evaluated: 2025-08-20. Review status: criteria provided, single submitter. Criteria: Invitae Variant Classification Sherloc (09022015). Collection method: clinical testing. Allele origin: germline.
Comment: This sequence change replaces glycine, which is neutral and non-polar, with serine, which is neutral and polar, at codon 1972 of the FLNB protein (p.Gly1972Ser). This variant is not present in population databases (gnomAD no frequency). This variant has not been reported in the literature in individuals affected with FLNB-related conditions. Invitae Evidence Modeling of protein sequence and biophysical properties (such as structural, functional, and spatial information, amino acid conservation, physicochemical variation, residue mobility, and thermodynamic stability) has been performed for this missense variant. However, the output from this modeling did not meet the statistical confidence thresholds required to predict the impact of this variant on FLNB protein function. In summary, the available evidence is currently insufficient to determine the role of this variant in disease. Therefore, it has been classified as a Variant of Uncertain Significance.

NM_001457.4(FLNB):c.5914G>A (p.Gly1972Ser)

Gene: FLNB (filamin B; plus strand). Cytogenetic location: 3p14.3.
Variant type: single nucleotide variant.
Coding change: c.5914G>A on transcript NM_001457.4 (MANE Select); coding-DNA position 5914, G replaced by A.
Protein change: p.Gly1972Ser; replaces glycine 1972 with serine.
Molecular consequence: missense variant.
Genome position (GRCh38, 1-based): chr3:58,148,675, G>A. VCF-style: chr3-58148675-G-A. GRCh37 (hg19) VCF-style: chr3-58134402-G-A.
Other names: c.6007G>A, p.Gly2003Ser (NM_001164317.2); c.5881G>A, p.Gly1961Ser (NM_001164318.2); c.5842G>A, p.Gly1948Ser (NM_001164319.2); short protein forms G1972S, G2003S, G1948S, G1961S.
Identifiers: ClinVar variation 4769472 (VCV004769472.1).